The following is an entry in ClinVar:

ClinVar aggregate classification (germline): Benign. Review status: criteria provided, multiple submitters, no conflicts (2 of 4 stars). 10 submissions from 10 submitters: Benign (7). 3 of the submissions do not count toward it. Last evaluated 2026-02-04.

Conditions:
Usher syndrome type 2C. Also called: Usher syndrome, type 2B; USHER SYNDROME, TYPE IIC. Identifiers: Orphanet 231178, Orphanet 886, MedGen C2931213, MONDO:0011558, OMIM 605472.

Allele frequency attached by ClinVar (database versions not stated): gnomAD exomes 0.14062 and 0.17973; ExAC 0.18253; ESP Exome Variant Server 0.19157; gnomAD 0.20255 and 0.20300; TOPMed 0.20996; 1000 Genomes Project 30x 0.27030; 1000 Genomes Project 0.27536.
gnomAD v4.1: 237,999 of 1,612,200 alleles (15%); highest among the groups gnomAD compares: East Asian, 38%; 21,268 homozygotes.

Submissions (10):

Labcorp Genetics (formerly Invitae), Labcorp
Classification: Benign. Last evaluated: 2026-02-04. Review status: criteria provided, single submitter. Criteria: Invitae Variant Classification Sherloc (09022015). Collection method: clinical testing. Allele origin: germline.

Genome-Nilou Lab
Classification: Benign for Usher syndrome type 2C. Last evaluated: 2021-08-10. Review status: criteria provided, single submitter. Criteria: ACMG Guidelines, 2015. Collection method: clinical testing. Allele origin: germline. Affected: no.

Mayo Clinic Laboratories, Mayo Clinic
Classification: Benign. Last evaluated: 2020-12-04. Review status: criteria provided, single submitter. Criteria: ACMG Guidelines, 2015. Collection method: clinical testing. Allele origin: germline. Observed: 45 variant alleles.

Illumina Laboratory Services, Illumina
Classification: Benign for Usher syndrome type 2C. Last evaluated: 2018-01-13. Review status: criteria provided, single submitter. Criteria: ICSL Variant Classification Criteria 13 December 2019. Collection method: clinical testing. Allele origin: germline.
Comment: This variant was observed in the ICSL laboratory as part of a predisposition screen in an ostensibly healthy population. It had not been previously curated by ICSL or reported in the Human Gene Mutation Database (HGMD: prior to June 1st, 2018), and was therefore a candidate for classification through an automated scoring system. Utilizing variant allele frequency, disease prevalence and penetrance estimates, and inheritance mode, an automated score was calculated to assess if this variant is too frequent to cause the disease. Based on the score and internal cut-off values, a variant classified as benign is not then subjected to further curation. The score for this variant resulted in a classification of benign for this disease.

GeneDx
Classification: Benign. Last evaluated: 2013-01-08. Review status: criteria provided, single submitter. Criteria: GeneDx Variant Classification (06012015). Collection method: clinical testing. Allele origin: germline. Affected: yes.
Comment: This variant is considered likely benign or benign based on one or more of the following criteria: it is a conservative change, it occurs at a poorly conserved position in the protein, it is predicted to be benign by multiple in silico algorithms, and/or has population frequency not consistent with disease.

Laboratory for Molecular Medicine, Mass General Brigham Personalized Medicine
Classification: Benign. Last evaluated: 2009-06-19. Review status: criteria provided, single submitter. Criteria: LMM Criteria. Collection method: clinical testing. Allele origin: germline. Observed: 658 variant alleles.

PreventionGenetics, part of Exact Sciences
Classification: Benign. Review status: criteria provided, single submitter. Criteria: ACMG Guidelines, 2015. Collection method: clinical testing. Allele origin: germline.

Diagnostic Laboratory, Department of Genetics, University Medical Center Groningen
Classification: Benign. Review status: no assertion criteria provided. Collection method: clinical testing. Allele origin: germline. Affected: yes. Study: VKGL Data-share Consensus. Not counted in ClinVar's aggregate classification.

Genetic Services Laboratory, University of Chicago
Classification: Likely benign. Review status: no assertion criteria provided. Collection method: clinical testing. Allele origin: germline. Inheritance: Autosomal dominant inheritance. Not counted in ClinVar's aggregate classification.
Comment: Likely benign based on allele frequency in 1000 Genomes Project or ESP global frequency and its presence in a patient with a rare or unrelated disease phenotype. NOT Sanger confirmed

Joint Genome Diagnostic Labs from Nijmegen and Maastricht, Radboudumc and MUMC+
Classification: Benign. Review status: no assertion criteria provided. Collection method: clinical testing. Allele origin: germline. Affected: yes. Study: VKGL Data-share Consensus. Not counted in ClinVar's aggregate classification.

NM_032119.4(ADGRV1):c.8538T>G (p.Leu2846=)

Gene: ADGRV1 (adhesion G protein-coupled receptor V1; plus strand). Cytogenetic location: 5q14.3.
Variant type: single nucleotide variant.
Coding change: c.8538T>G on transcript NM_032119.4 (MANE Select); coding-DNA position 8538, T replaced by G.
Protein change: p.Leu2846=; no amino-acid change (leucine 2846 retained).
Molecular consequence: synonymous variant. On other transcripts: non-coding transcript variant (1).
Genome position (GRCh38, 1-based): chr5:90,705,551, T>G. VCF-style: chr5-90705551-T-G. GRCh37 (hg19) VCF-style: chr5-90001368-T-G.
Other names: p.L2846L:CTT>CTG; p.Leu2846=.
Identifiers: ClinVar variation 46390 (VCV000046390.29), dbSNP rs6880570, ClinGen allele CA138244.